The following is an entry in ClinVar:

ClinVar aggregate classification (germline): Benign/Likely benign. Review status: criteria provided, multiple submitters, no conflicts (2 of 4 stars). 3 submissions from 3 submitters: Benign (1); Likely benign (1). 1 of the submissions does not count toward it. Last evaluated 2025-10-08.

Conditions:
MC4R-related disorder. Also called: MC4R-related condition.
Obesity. Also called: Obesity disorder. Identifiers: Orphanet 71529, MedGen C0028754, MeSH D009765, MONDO:0011122, HP:0001513.

Allele frequency attached by ClinVar (database versions not stated): gnomAD exomes 0.00006 and 0.00013; ExAC 0.00021; TOPMed 0.00057; gnomAD 0.00059 and 0.00060; ESP Exome Variant Server 0.00077; 1000 Genomes Project 30x 0.00109; 1000 Genomes Project 0.00120.

Submissions (3):

Labcorp Genetics (formerly Invitae), Labcorp
Classification: Benign. Last evaluated: 2025-10-08. Review status: criteria provided, single submitter. Criteria: Invitae Variant Classification Sherloc (09022015). Collection method: clinical testing. Allele origin: germline.

Illumina Laboratory Services, Illumina
Classification: Likely benign for Inherited obesity. Last evaluated: 2018-01-13. Review status: criteria provided, single submitter. Criteria: ICSL Variant Classification Criteria 13 December 2019. Collection method: clinical testing. Allele origin: germline.
Comment: This variant was observed in the ICSL laboratory as part of a predisposition screen in an ostensibly healthy population. It had not been previously curated by ICSL or reported in the Human Gene Mutation Database (HGMD: prior to June 1st, 2018), and was therefore a candidate for classification through an automated scoring system. Utilizing variant allele frequency, disease prevalence and penetrance estimates, and inheritance mode, an automated score was calculated to assess if this variant is too frequent to cause the disease. Based on the score and internal cut-off values, a variant classified as likely benign is not then subjected to further curation. The score for this variant resulted in a classification of likely benign for this disease.

PreventionGenetics, part of Exact Sciences
Classification: Likely benign for MC4R-related condition. Last evaluated: 2019-08-28. Review status: no assertion criteria provided. Collection method: clinical testing. Allele origin: germline. Not counted in ClinVar's aggregate classification.
Comment: This variant is classified as likely benign based on ACMG/AMP sequence variant interpretation guidelines (Richards et al. 2015 PMID: 25741868, with internal and published modifications).

NM_005912.3(MC4R):c.468G>A (p.Gln156=)

Gene: MC4R (melanocortin 4 receptor; minus strand). Cytogenetic location: 18q21.32.
Variant type: single nucleotide variant.
Coding change: c.468G>A on transcript NM_005912.3 (MANE Select); coding-DNA position 468, G replaced by A.
Protein change: p.Gln156=; no amino-acid change (glutamine 156 retained).
Molecular consequence: synonymous variant.
Genome position (GRCh38, 1-based): chr18:60,371,882, C>T on the plus strand (G>A on the coding strand, the complement: MC4R is on the minus strand). VCF-style: chr18-60371882-C-T. GRCh37 (hg19) VCF-style: chr18-58039115-C-T.
Identifiers: ClinVar variation 749502 (VCV000749502.15), dbSNP rs144393256, ClinGen allele CA8980917.